The following is an entry in ClinVar:

NM_000089.4(COL1A2):c.3968A>G (p.Glu1323Gly)

Gene: COL1A2 (collagen type I alpha 2 chain; plus strand). Cytogenetic location: 7q21.3.
Variant type: single nucleotide variant.
Coding change: c.3968A>G on transcript NM_000089.4 (MANE Select); coding-DNA position 3968, A replaced by G.
Protein change: p.Glu1323Gly; replaces glutamic acid 1323 with glycine.
Molecular consequence: missense variant.
Genome position (GRCh38, 1-based): chr7:94,430,260, A>G. VCF-style: chr7-94430260-A-G. GRCh37 (hg19) VCF-style: chr7-94059572-A-G.
Other names: short protein forms E1323G.
Identifiers: ClinVar variation 3755842 (VCV003755842.2).

ClinVar aggregate classification (germline): Uncertain significance (1 of 4 stars; one submission).

Conditions:
Ehlers-Danlos syndrome, classic type, 1 (EDSCL1). Also called: EHLERS-DANLOS SYNDROME, GRAVIS TYPE; EHLERS-DANLOS SYNDROME, SEVERE CLASSIC TYPE; Ehlers-Danlos syndrome, type 1; Ehlers-Danlos Syndrome, Classic Type, COL5A1-Related; EDS I. Identifiers: MedGen C0268335, MONDO:0019567, OMIM 130000.
Osteogenesis imperfecta type I (OI1). Also called: OI, TYPE I; OSTEOGENESIS IMPERFECTA TARDA; OSTEOGENESIS IMPERFECTA WITH BLUE SCLERAE; Osteogenesis imperfecta type 1; Lobstein's Disease; Lobstein disease. Identifiers: Orphanet 216796, Orphanet 666, MedGen C0023931, MONDO:0008146, OMIM 166200. Disease mechanism: loss of function.

Submission:

Labcorp Genetics (formerly Invitae), Labcorp
Classification: Uncertain significance for Osteogenesis imperfecta type I; Ehlers-Danlos syndrome, classic type, 1. Last evaluated: 2024-08-13. Review status: criteria provided, single submitter. Criteria: Invitae Variant Classification Sherloc (09022015). Collection method: clinical testing. Allele origin: germline.
Comment: This sequence change replaces glutamic acid, which is acidic and polar, with glycine, which is neutral and non-polar, at codon 1323 of the COL1A2 protein (p.Glu1323Gly). This variant is not present in population databases (gnomAD no frequency). This variant has not been reported in the literature in individuals affected with COL1A2-related conditions. Advanced modeling of protein sequence and biophysical properties (such as structural, functional, and spatial information, amino acid conservation, physicochemical variation, residue mobility, and thermodynamic stability) performed at Invitae indicates that this missense variant is not expected to disrupt COL1A2 protein function with a negative predictive value of 80%. In summary, the available evidence is currently insufficient to determine the role of this variant in disease. Therefore, it has been classified as a Variant of Uncertain Significance.